The following is an entry in ClinVar:

NM_001367561.1(DOCK7):c.5396A>G (p.Lys1799Arg)

Gene: DOCK7 (dedicator of cytokinesis 7; minus strand). Cytogenetic location: 1p31.3.
Variant type: single nucleotide variant.
Coding change: c.5396A>G on transcript NM_001367561.1 (MANE Select); coding-DNA position 5396, A replaced by G.
Protein change: p.Lys1799Arg; replaces lysine 1799 with arginine.
Molecular consequence: missense variant.
Genome position (GRCh38, 1-based): chr1:62,489,031, T>C on the plus strand (A>G on the coding strand, the complement: DOCK7 is on the minus strand). VCF-style: chr1-62489031-T-C. GRCh37 (hg19) VCF-style: chr1-62954702-T-C.
Other names: c.5369A>G, p.Lys1790Arg (NM_001271999.2, NM_001330614.2); c.5276A>G, p.Lys1759Arg (NM_001272000.2, NM_001272001.2); c.5303A>G, p.Lys1768Arg (NM_033407.4); short protein forms K1790R, K1768R, K1759R, K1799R.
Identifiers: ClinVar variation 1977532 (VCV001977532.5), dbSNP rs1646380036, ClinGen allele CA340609204.

ClinVar aggregate classification (germline): Uncertain significance (1 of 4 stars; one submission).

Conditions:
Developmental and epileptic encephalopathy, 23 (DEE23). Also called: Epileptic encephalopathy, early infantile, 23. Identifiers: Orphanet 411986, MedGen C4014492, MONDO:0014371, OMIM 615859.

Allele frequency attached by ClinVar (database versions not stated): gnomAD exomes below 0.00001; TOPMed 0.00001.
gnomAD v4.1: 2 of 1,605,476 alleles (0.00012%); highest among the groups gnomAD compares: South Asian, 0.0022%; no homozygotes.

Submission:

Labcorp Genetics (formerly Invitae), Labcorp
Classification: Uncertain significance for Developmental and epileptic encephalopathy, 23. Last evaluated: 2024-12-16. Review status: criteria provided, single submitter. Criteria: Invitae Variant Classification Sherloc (09022015). Collection method: clinical testing. Allele origin: germline.
Comment: This sequence change replaces lysine, which is basic and polar, with arginine, which is basic and polar, at codon 1790 of the DOCK7 protein (p.Lys1790Arg). This variant is not present in population databases (gnomAD no frequency). This variant has not been reported in the literature in individuals affected with DOCK7-related conditions. ClinVar contains an entry for this variant (Variation ID: 1977532). Invitae Evidence Modeling of protein sequence and biophysical properties (such as structural, functional, and spatial information, amino acid conservation, physicochemical variation, residue mobility, and thermodynamic stability) indicates that this missense variant is not expected to disrupt DOCK7 protein function with a negative predictive value of 80%. In summary, the available evidence is currently insufficient to determine the role of this variant in disease. Therefore, it has been classified as a Variant of Uncertain Significance.